The following is an entry in ClinVar:

ClinVar aggregate classification (germline): Likely benign (1 of 4 stars; one submission).

Allele frequency attached by ClinVar (database versions not stated): gnomAD 0.00013; TOPMed 0.00016; ExAC 0.00018; ESP Exome Variant Server 0.00023; gnomAD exomes 0.00023.
gnomAD v4.1: 355 of 1,613,914 alleles (0.022%); highest among the groups gnomAD compares: Non-Finnish European, 0.029%; 1 homozygote.

Submission:

CeGaT Center for Human Genetics Tuebingen
Classification: Likely benign. Last evaluated: 2022-08-01. Review status: criteria provided, single submitter. Criteria: CeGaT Center For Human Genetics Tuebingen Variant Classification Criteria Version 2. Collection method: clinical testing. Allele origin: germline. Affected: yes. Observed: 2 variant alleles.
Comment: ADAMTS3: BP4, BP7

NM_014243.3(ADAMTS3):c.2763T>C (p.Cys921=)

Gene: ADAMTS3 (ADAM metallopeptidase with thrombospondin type 1 motif 3; minus strand). Cytogenetic location: 4q13.3.
Variant type: single nucleotide variant.
Coding change: c.2763T>C on transcript NM_014243.3 (MANE Select); coding-DNA position 2763, T replaced by C.
Protein change: p.Cys921=; no amino-acid change (cysteine 921 retained).
Molecular consequence: synonymous variant.
Genome position (GRCh38, 1-based): chr4:72,291,023, A>G on the plus strand (T>C on the coding strand, the complement: ADAMTS3 is on the minus strand). VCF-style: chr4-72291023-A-G. GRCh37 (hg19) VCF-style: chr4-73156740-A-G.
Identifiers: ClinVar variation 2654805 (VCV002654805.24), dbSNP rs147391078, ClinGen allele CA2956528.